The following is an entry in ClinVar:

NM_005908.4(MANBA):c.1398G>A (p.Trp466Ter)

Gene: MANBA (mannosidase beta; minus strand). Cytogenetic location: 4q24.
Variant type: single nucleotide variant.
Coding change: c.1398G>A on transcript NM_005908.4 (MANE Select); coding-DNA position 1398, G replaced by A.
Protein change: p.Trp466Ter; replaces tryptophan 466 with a stop codon.
Molecular consequence: nonsense.
Genome position (GRCh38, 1-based): chr4:102,664,772, C>T on the plus strand (G>A on the coding strand, the complement: MANBA is on the minus strand). VCF-style: chr4-102664772-C-T. GRCh37 (hg19) VCF-style: chr4-103585929-C-T.
Other names: short protein forms W466*.
Identifiers: ClinVar variation 929155 (VCV000929155.4), dbSNP rs1208178394, ClinGen allele CA357761073.
Genomic context (GRCh38, chr4:102,664,772, plus strand): 5'-CACATAGAGTGTCACATAGTCCTTGATGTAGATTGGCCGGTCAGTGAAACTGATATGATA[C>T]CAATTCATCATCAGCGCCTCCTCATTTTCATTATTGCCACTCCATATGATGATAGAAGGA-3'

ClinVar aggregate classification (germline): Pathogenic. Review status: criteria provided, multiple submitters, no conflicts (2 of 4 stars). 3 submissions from 3 submitters: Pathogenic (3). Last evaluated 2024-01-31.

Conditions:
Beta-D-mannosidosis (MANSB). Also called: MANNOSIDOSIS, BETA A, LYSOSOMAL; BETA-MANNOSIDASE DEFICIENCY; LYSOSOMAL BETA-MANNOSIDASE DEFICIENCY; Beta-Mannosidosis. Identifiers: Orphanet 118, MedGen C4048196, MONDO:0009562, OMIM 248510.

Allele frequency attached by ClinVar (database versions not stated): gnomAD exomes below 0.00001; TOPMed below 0.00001.
gnomAD v4.1: 1 of 1,609,798 alleles (0.000062%); highest among the groups gnomAD compares: Admixed American, 0.0017%; no homozygotes.

Submissions (3):

Labcorp Genetics (formerly Invitae), Labcorp
Classification: Pathogenic for Beta-D-mannosidosis. Last evaluated: 2024-01-31. Review status: criteria provided, single submitter. Criteria: Invitae Variant Classification Sherloc (09022015). Collection method: clinical testing. Allele origin: germline.
Comment: This sequence change creates a premature translational stop signal (p.Trp466*) in the MANBA gene. It is expected to result in an absent or disrupted protein product. Loss-of-function variants in MANBA are known to be pathogenic (PMID: 9384606, 12468273). This variant is present in population databases (no rsID available, gnomAD 0.003%). This premature translational stop signal has been observed in individual(s) with mannosidosis (PMID: 16904924). In at least one individual the data is consistent with being in trans (on the opposite chromosome) from a pathogenic variant. ClinVar contains an entry for this variant (Variation ID: 929155). For these reasons, this variant has been classified as Pathogenic.

GeneDx
Classification: Pathogenic. Last evaluated: 2023-10-31. Review status: criteria provided, single submitter. Criteria: GeneDx Variant Classification Process June 2021. Collection method: clinical testing. Allele origin: germline. Affected: yes.
Comment: Nonsense variant predicted to result in protein truncation or nonsense mediated decay in a gene for which loss of function is a known mechanism of disease; Not observed at significant frequency in large population cohorts (gnomAD); This variant is associated with the following publications: (PMID: 25525159, 34426522, 18565776, 22369051, 19728872, 16904924)

Women's Health and Genetics/Laboratory Corporation of America, LabCorp
Classification: Pathogenic for Beta-D-mannosidosis. Last evaluated: 2019-08-05. Review status: criteria provided, single submitter. Criteria: LabCorp Variant Classification Summary - May 2015. Collection method: clinical testing. Allele origin: germline.
Comment: Variant summary: MANBA c.1398G>A (p.Trp466X) results in a premature termination codon, predicted to cause a truncation of the encoded protein or absence of the protein due to nonsense mediated decay, which are commonly known mechanisms for disease. A splice site variant downstream of this position has been classified as pathogenic by our laboratory (c.2158-2A>G). The variant allele was found at a frequency of 4e-06 in 251454 control chromosomes. c.1398G>A has been reported in the literature in at-least one individual affected with Beta-Mannosidosis (Gort_2006). At least one publication reports experimental evidence evaluating an impact on protein function (Gort_2006). The most pronounced variant effect results in <10% of normal activity. No clinical diagnostic laboratories have submitted clinical-significance assessments for this variant to ClinVar after 2014. Based on the evidence outlined above, the variant was classified as pathogenic.

Literature cited by the submitters: PubMed 9384606 (cited by Labcorp Genetics (formerly Invitae), Labcorp); PubMed 12468273 (cited by Labcorp Genetics (formerly Invitae), Labcorp); PubMed 16904924 (cited by Labcorp Genetics (formerly Invitae), Labcorp and Women's Health and Genetics/Laboratory Corporation of America, LabCorp); PubMed 19728872 (cited by Women's Health and Genetics/Laboratory Corporation of America, LabCorp).